The following is an entry in ClinVar:

NM_006767.4(LZTR1):c.101G>C (p.Cys34Ser)

Genes: LZTR1 (leucine zipper like post translational regulator 1; plus strand), LOC130067016 (ATAC-STARR-seq lymphoblastoid silent region 13504; plus strand). Cytogenetic location: 22q11.21.
Variant type: single nucleotide variant.
Coding change: c.101G>C on transcript NM_006767.4 (MANE Select); coding-DNA position 101, G replaced by C.
Protein change: p.Cys34Ser; replaces cysteine 34 with serine.
Molecular consequence: missense variant.
Genome position (GRCh38, 1-based): chr22:20,982,472, G>C. VCF-style: chr22-20982472-G-C. GRCh37 (hg19) VCF-style: chr22-21336761-G-C.
Other names: short protein forms C34S.
Identifiers: ClinVar variation 4615609 (VCV004615609.1).

ClinVar aggregate classification (germline): Uncertain significance (1 of 4 stars; one submission).

Conditions:
Cardiovascular phenotype. Identifiers: MedGen CN230736.
Hereditary cancer-predisposing syndrome. Also called: Neoplastic Syndromes, Hereditary; Tumor predisposition; Hereditary Cancer Syndrome; Hereditary neoplastic syndrome. Identifiers: Orphanet 140162, MedGen C0027672, MeSH D009386, MONDO:0015356.

Submission:

Ambry Genetics
Classification: Uncertain significance for Cardiovascular phenotype; Hereditary cancer-predisposing syndrome. Last evaluated: 2025-09-24. Review status: criteria provided, single submitter. Criteria: Ambry Variant Classification Scheme 2023. Collection method: clinical testing. Allele origin: germline.
Comment: The p.C34S variant (also known as c.101G>C), located in coding exon 1 of the LZTR1 gene, results from a G to C substitution at nucleotide position 101. The cysteine at codon 34 is replaced by serine, an amino acid with dissimilar properties. This amino acid position is highly conserved in available vertebrate species. In addition, the in silico prediction for this alteration is inconclusive. Based on the available evidence, the clinical significance of this variant remains unclear.